The following is an entry in ClinVar:

NM_006231.4(POLE):c.2210C>A (p.Thr737Asn)

Gene: POLE (DNA polymerase epsilon, catalytic subunit; minus strand). Cytogenetic location: 12q24.33.
Variant type: single nucleotide variant.
Coding change: c.2210C>A on transcript NM_006231.4 (MANE Select); coding-DNA position 2210, C replaced by A.
Protein change: p.Thr737Asn; replaces threonine 737 with asparagine.
Molecular consequence: missense variant.
Genome position (GRCh38, 1-based): chr12:132,667,612, G>T on the plus strand (C>A on the coding strand, the complement: POLE is on the minus strand). VCF-style: chr12-132667612-G-T. GRCh37 (hg19) VCF-style: chr12-133244198-G-T.
Other names: c.2210C>A (NM_006231.2); short protein forms T737N.
Identifiers: ClinVar variation 656634 (VCV000656634.10), dbSNP rs755089034, ClinGen allele CA6893627.

ClinVar aggregate classification (germline): Uncertain significance. Review status: criteria provided, multiple submitters, no conflicts (2 of 4 stars). 3 submissions from 3 submitters: Uncertain significance (3). Last evaluated 2026-01-02.

Conditions:
Colorectal cancer, susceptibility to, 12 (CRCS12). Also called: COLORECTAL CANCER, SUSCEPTIBILITY TO, ON CHROMOSOME 12q24. Identifiers: Orphanet 220460, MedGen C3554460, MONDO:0014038, OMIM 615083.
Hereditary cancer-predisposing syndrome. Also called: Neoplastic Syndromes, Hereditary; Hereditary neoplastic syndrome; Tumor predisposition; Hereditary Cancer Syndrome. Identifiers: Orphanet 140162, MedGen C0027672, MeSH D009386, MONDO:0015356.

Allele frequency attached by ClinVar (database versions not stated): gnomAD exomes below 0.00001; ExAC 0.00001.
gnomAD v4.1: 1 of 1,614,102 alleles (0.000062%); highest among the groups gnomAD compares: South Asian, 0.0011%; no homozygotes.

Submissions (3):

Ambry Genetics
Classification: Uncertain significance for Hereditary cancer-predisposing syndrome. Last evaluated: 2026-01-02. Review status: criteria provided, single submitter. Criteria: Ambry Variant Classification Scheme 2023. Collection method: clinical testing. Allele origin: germline.
Comment: The p.T737N variant (also known as c.2210C>A), located in coding exon 20 of the POLE gene, results from a C to A substitution at nucleotide position 2210. The threonine at codon 737 is replaced by asparagine, an amino acid with similar properties. This amino acid position is highly conserved in available vertebrate species. In addition, this alteration is predicted to be tolerated by in silico analysis. Based on the available evidence, the clinical significance of this variant remains unclear.

Labcorp Genetics (formerly Invitae), Labcorp
Classification: Uncertain significance. Last evaluated: 2026-01-02. Review status: criteria provided, single submitter. Criteria: Invitae Variant Classification Sherloc (09022015). Collection method: clinical testing. Allele origin: germline.
Comment: This sequence change replaces threonine, which is neutral and polar, with asparagine, which is neutral and polar, at codon 737 of the POLE protein (p.Thr737Asn). This variant is present in population databases (rs755089034, gnomAD 0.003%). This variant has not been reported in the literature in individuals affected with POLE-related conditions. ClinVar contains an entry for this variant (Variation ID: 656634). Invitae Evidence Modeling of protein sequence and biophysical properties (such as structural, functional, and spatial information, amino acid conservation, physicochemical variation, residue mobility, and thermodynamic stability) indicates that this missense variant is not expected to disrupt POLE protein function with a negative predictive value of 80%. In summary, the available evidence is currently insufficient to determine the role of this variant in disease. Therefore, it has been classified as a Variant of Uncertain Significance.

Neuberg Centre For Genomic Medicine, NCGM
Classification: Uncertain significance for Colorectal cancer, susceptibility to, 12. Last evaluated: 2023-07-22. Review status: criteria provided, single submitter. Criteria: ACMG Guidelines, 2015. Collection method: clinical testing. Allele origin: germline. Inheritance: Autosomal dominant inheritance. Affected: yes.
Comment: The observed missense c.2210C>A p.Thr737Asn variant in POLE gene has not been previously reported as a pathogenic nor as a benign variant, to our knowledge. The p.Thr737Asn variant is present with allelic frequency 0.0004% in gnomAD exomes. This variant has been submitted to the ClinVar database as Uncertain Significance. Multiple lines of computational evidences Polyphen - Pobably damaging, SIFT- Damaging, MutationTaster - Disease causing predict a damaging effect on protein structure and function for this variant. The reference amino acid of p.Thr737Asn in POLE gene is predicted as conserved by GERP++ and PhyloP across 100 vertebrates. The amino acid Thr at position 737 is changed to a Asn changing protein sequence and it might alter its composition and physico-chemical properties. For these reasons, this variant has been classified as Variant of Uncertain Significance VUS.